The following is an entry in ClinVar:

NM_000222.3(KIT):c.1533C>T (p.Asn511=)

Gene: KIT (KIT proto-oncogene, receptor tyrosine kinase; plus strand). Cytogenetic location: 4q12.
Variant type: single nucleotide variant.
Coding change: c.1533C>T on transcript NM_000222.3 (MANE Select); coding-DNA position 1533, C replaced by T.
Protein change: p.Asn511=; no amino-acid change (asparagine 511 retained).
Molecular consequence: synonymous variant. On other transcripts: intron variant (4).
Genome position (GRCh38, 1-based): chr4:54,726,043, C>T. VCF-style: chr4-54726043-C-T. GRCh37 (hg19) VCF-style: chr4-55592209-C-T.
Other names: c.1536C>T, p.Asn512= (NM_001385284.1, NM_001385290.1); c.1533C>T, p.Asn511= (NM_001385285.1); c.1531+5C>T (NM_001385288.1, NM_001385292.1); c.1528+5C>T (NM_001093772.2, NM_001385286.1).
Identifiers: ClinVar variation 698728 (VCV000698728.13), dbSNP rs1232688220, ClinGen allele CA439290970.

ClinVar aggregate classification (germline): Conflicting classifications of pathogenicity. Review status: criteria provided, conflicting classifications (1 of 4 stars). 3 submissions from 3 submitters: Uncertain significance (1); Benign (1); Likely benign (1). Last evaluated 2026-06-03.

Conditions:
Hereditary cancer-predisposing syndrome. Also called: Neoplastic Syndromes, Hereditary; Hereditary Cancer Syndrome; Hereditary neoplastic syndrome; Tumor predisposition. Identifiers: Orphanet 140162, MedGen C0027672, MeSH D009386, MONDO:0015356.
Gastrointestinal stromal tumor. Also called: Gastrointestinal stromal tumor, somatic; Gastrointestinal stroma tumor. Identifiers: Orphanet 44890, MedGen C0238198, MeSH D046152, MONDO:0011719, OMIM 606764, HP:0100723.

Allele frequency attached by ClinVar (database versions not stated): gnomAD exomes below 0.00001; gnomAD 0.00001; TOPMed 0.00001.
gnomAD v4.1: 3 of 1,612,582 alleles (0.00019%); highest among the groups gnomAD compares: Middle Eastern, 0.033%; no homozygotes.

Submissions (3):

Myriad Genetics, Inc.
Classification: Benign for Gastrointestinal stromal tumor. Last evaluated: 2026-06-03. Review status: criteria provided, single submitter. Criteria: Myriad Autosomal Dominant, Autosomal Recessive and X-Linked Classification Criteria (2023). Collection method: clinical testing. Allele origin: unknown.
Comment: This variant is considered benign. This variant is a silent/synonymous amino acid change and it is not expected to impact splicing.

Ambry Genetics
Classification: Uncertain significance for Hereditary cancer-predisposing syndrome. Last evaluated: 2025-07-09. Review status: criteria provided, single submitter. Criteria: Ambry Variant Classification Scheme 2023. Collection method: clinical testing. Allele origin: germline.
Comment: The c.1533C>T variant (also known as p.N511N), located in coding exon 9 of the KIT gene, results from a C to T substitution at nucleotide position 1533. This nucleotide substitution does not change the at codon 511. This nucleotide position is well conserved in available vertebrate species. In silico splice site analysis for this alteration is inconclusive. Based on the available evidence, the clinical significance of this variant remains unclear.

Labcorp Genetics (formerly Invitae), Labcorp
Classification: Likely benign for Gastrointestinal stromal tumor. Last evaluated: 2024-12-30. Review status: criteria provided, single submitter. Criteria: Invitae Variant Classification Sherloc (09022015). Collection method: clinical testing. Allele origin: germline.